The following is an entry in ClinVar:

ClinVar aggregate classification (germline): Uncertain significance. Review status: criteria provided, multiple submitters, no conflicts (2 of 4 stars). 5 submissions from 4 submitters: Uncertain significance (4). 1 of the submissions does not count toward it. Last evaluated 2025-02-10.

Conditions:
Autosomal recessive nonsyndromic hearing loss 4 (DFNB4). Also called: Deafness, autosomal recessive 4; FOXI1-Related Pendred Syndrome; KCNJ10-Related Pendred Syndrome; DEAFNESS, AUTOSOMAL RECESSIVE 4, WITH ENLARGED VESTIBULAR AQUEDUCT, DIGENIC; Enlarged vestibular aqueduct, digenic; Nonsyndromic enlarged vestibular aqueduct (NSEVA). Identifiers: Orphanet 90636, MedGen C3538946, MONDO:0010933, OMIM 600791.
Pendred syndrome (PDS). Also called: DEAFNESS WITH GOITER; Pendred's syndrome; GOITER-DEAFNESS SYNDROME; HYPOTHYROIDISM, CONGENITAL, DUE TO DYSHORMONOGENESIS, 2B; THYROID DYSHORMONOGENESIS 2B; THYROID HORMONOGENESIS, GENETIC DEFECT IN, 2B. Identifiers: Orphanet 705, MedGen C0271829, MONDO:0010134, OMIM 274600.
Hearing impairment. Also called: Impaired Hearing. Identifiers: MedGen C1384666, MONDO:0005365, HP:0000365.

Allele frequency attached by ClinVar (database versions not stated): gnomAD exomes below 0.00001; ExAC 0.00001.
gnomAD v4.1: 2 of 1,614,072 alleles (0.00012%); highest among the groups gnomAD compares: South Asian, 0.0011%; no homozygotes.

Submissions (5):

Women's Health and Genetics/Laboratory Corporation of America, LabCorp
Classification: Uncertain significance. Last evaluated: 2025-02-10. Review status: criteria provided, single submitter. Criteria: LabCorp Variant Classification Summary - May 2015. Collection method: clinical testing. Allele origin: germline.
Comment: Variant summary: SLC26A4 c.445G>A (p.Gly149Arg) results in a non-conservative amino acid change in the encoded protein sequence. Five of five in-silico tools predict a damaging effect of the variant on protein function. The variant allele was found at a frequency of 4e-06 in 251470 control chromosomes. The available data on variant occurrences in the general population are insufficient to allow any conclusion about variant significance. c.445G>A has been reported in the literature in individuals affected with clinical features of Pendred Syndrome (de Moraes_2013, Imizcoz_2023). These report(s) do not provide unequivocal conclusions about association of the variant with Pendred Syndrome. At least one publication reports experimental evidence evaluating an impact on protein function. The most pronounced variant effect results in 55% of normal transport activity (de Moraes_2016). The following publications have been ascertained in the context of this evaluation (PMID: 37811145, 23273637, 26752218). ClinVar contains an entry for this variant (Variation ID: 556439). Based on the evidence outlined above, the variant was classified as uncertain significance.

Genome-Nilou Lab
Classification: Uncertain significance for Autosomal recessive nonsyndromic hearing loss 4. Last evaluated: 2021-07-22. Review status: criteria provided, single submitter. Criteria: ACMG Guidelines, 2015. Collection method: clinical testing. Allele origin: germline. Affected: no.

Genome-Nilou Lab
Classification: Uncertain significance for Pendred syndrome. Last evaluated: 2021-07-22. Review status: criteria provided, single submitter. Criteria: ACMG Guidelines, 2015. Collection method: clinical testing. Allele origin: germline. Affected: no.

Department of Otolaryngology – Head & Neck Surgery, Cochlear Implant Center
Classification: Uncertain significance for Hearing impairment. Last evaluated: 2021-04-12. Review status: criteria provided, single submitter. Criteria: ClinGen HL ACMG Specifications v1. Collection method: clinical testing. Allele origin: germline. Affected: yes.
Comment: PM2_Moderate, PP3_Supporting

Counsyl
Classification: Uncertain significance for Pendred syndrome. Last evaluated: 2018-02-05. Review status: no assertion criteria provided. Collection method: clinical testing. Allele origin: unknown. Not counted in ClinVar's aggregate classification.

Literature cited by the submitters: PubMed 26752218 (cited by Women's Health and Genetics/Laboratory Corporation of America, LabCorp and Counsyl); PubMed 37811145 (cited by Women's Health and Genetics/Laboratory Corporation of America, LabCorp); PubMed 23273637 (cited by Women's Health and Genetics/Laboratory Corporation of America, LabCorp and Counsyl); PubMed 24156272 (cited by Counsyl).

NM_000441.2(SLC26A4):c.445G>A (p.Gly149Arg)

Gene: SLC26A4 (solute carrier family 26 member 4; plus strand). Cytogenetic location: 7q22.3.
Variant type: single nucleotide variant.
Coding change: c.445G>A on transcript NM_000441.2 (MANE Select); coding-DNA position 445, G replaced by A.
Protein change: p.Gly149Arg; replaces glycine 149 with arginine.
Molecular consequence: missense variant.
Genome position (GRCh38, 1-based): chr7:107,674,193, G>A. VCF-style: chr7-107674193-G-A. GRCh37 (hg19) VCF-style: chr7-107314638-G-A.
Other names: short protein forms G149R.
Identifiers: ClinVar variation 556439 (VCV000556439.9), dbSNP rs761210511, ClinGen allele CA4432484.